The following is an entry in ClinVar:

NM_005477.3(HCN4):c.1688T>G (p.Met563Arg)

Gene: HCN4 (hyperpolarization activated cyclic nucleotide gated potassium channel 4; minus strand). Cytogenetic location: 15q24.1.
Variant type: single nucleotide variant.
Coding change: c.1688T>G on transcript NM_005477.3 (MANE Select); coding-DNA position 1688, T replaced by G.
Protein change: p.Met563Arg; replaces methionine 563 with arginine.
Molecular consequence: missense variant.
Genome position (GRCh38, 1-based): chr15:73,325,347, A>C on the plus strand (T>G on the coding strand, the complement: HCN4 is on the minus strand). VCF-style: chr15-73325347-A-C. GRCh37 (hg19) VCF-style: chr15-73617688-A-C.
Other names: short protein forms M563R.
Identifiers: ClinVar variation 2076289 (VCV002076289.4), dbSNP rs2549070142, ClinGen allele CA393091964.

ClinVar aggregate classification (germline): Uncertain significance (1 of 4 stars; one submission).

Conditions:
Brugada syndrome 8 (BRGDA8). Identifiers: Orphanet 130, MedGen C2751083, MONDO:0013148, OMIM 613123.

Submission:

Labcorp Genetics (formerly Invitae), Labcorp
Classification: Uncertain significance for Brugada syndrome 8. Last evaluated: 2022-03-27. Review status: criteria provided, single submitter. Criteria: Invitae Variant Classification Sherloc (09022015). Collection method: clinical testing. Allele origin: germline.
Comment: This variant is not present in population databases (gnomAD no frequency). In summary, the available evidence is currently insufficient to determine the role of this variant in disease. Therefore, it has been classified as a Variant of Uncertain Significance. Algorithms developed to predict the effect of missense changes on protein structure and function are either unavailable or do not agree on the potential impact of this missense change (SIFT: "Deleterious"; PolyPhen-2: "Not Available"; Align-GVGD: "Class C0"). This variant has not been reported in the literature in individuals affected with HCN4-related conditions. This sequence change replaces methionine, which is neutral and non-polar, with arginine, which is basic and polar, at codon 563 of the HCN4 protein (p.Met563Arg).